The following is an entry in ClinVar:

ClinVar aggregate classification (germline): Uncertain significance. Review status: criteria provided, multiple submitters, no conflicts (2 of 4 stars). 3 submissions from 3 submitters: Uncertain significance (3). Last evaluated 2025-06-19.

Conditions:
Inborn genetic diseases. Identifiers: MedGen C0950123, MeSH D030342.
KMT2E-related disorder. Also called: KMT2E-related condition.

Allele frequency attached by ClinVar (database versions not stated): gnomAD exomes below 0.00001; ExAC 0.00001; gnomAD 0.00001; TOPMed 0.00001; ESP Exome Variant Server 0.00008.
gnomAD v4.1: 10 of 1,611,900 alleles (0.00062%); highest among the groups gnomAD compares: African/African-American, 0.0027%; no homozygotes.

Submissions (3):

Labcorp Genetics (formerly Invitae), Labcorp
Classification: Uncertain significance. Last evaluated: 2025-06-19. Review status: criteria provided, single submitter. Criteria: Invitae Variant Classification Sherloc (09022015). Collection method: clinical testing. Allele origin: germline.
Comment: This sequence change replaces valine, which is neutral and non-polar, with glycine, which is neutral and non-polar, at codon 645 of the KMT2E protein (p.Val645Gly). This variant is present in population databases (rs368566319, gnomAD 0.007%). This variant has not been reported in the literature in individuals affected with KMT2E-related conditions. ClinVar contains an entry for this variant (Variation ID: 2049916). Invitae Evidence Modeling of protein sequence and biophysical properties (such as structural, functional, and spatial information, amino acid conservation, physicochemical variation, residue mobility, and thermodynamic stability) indicates that this missense variant is not expected to disrupt KMT2E protein function with a negative predictive value of 80%. In summary, the available evidence is currently insufficient to determine the role of this variant in disease. Therefore, it has been classified as a Variant of Uncertain Significance.

Ambry Genetics
Classification: Uncertain significance for Inborn genetic diseases. Last evaluated: 2024-03-18. Review status: criteria provided, single submitter. Criteria: Ambry Variant Classification Scheme 2023. Collection method: clinical testing. Allele origin: germline.

PreventionGenetics, part of Exact Sciences
Classification: Uncertain significance for KMT2E-related condition. Last evaluated: 2022-09-07. Review status: criteria provided, single submitter. Criteria: ACMG Guidelines, 2015. Collection method: clinical testing. Allele origin: germline.
Comment: The KMT2E c.1934T>G variant is predicted to result in the amino acid substitution p.Val645Gly. To our knowledge, this variant has not been reported in the literature. This variant is reported in 0.0062% of alleles in individuals of African descent in gnomAD. At this time, the clinical significance of this variant is uncertain due to the absence of conclusive functional and genetic evidence.

NM_182931.3(KMT2E):c.1934T>G (p.Val645Gly)

Gene: KMT2E (lysine methyltransferase 2E (inactive); plus strand). Cytogenetic location: 7q22.3.
Variant type: single nucleotide variant.
Coding change: c.1934T>G on transcript NM_182931.3 (MANE Select); coding-DNA position 1934, T replaced by G.
Protein change: p.Val645Gly; replaces valine 645 with glycine.
Molecular consequence: missense variant.
Genome position (GRCh38, 1-based): chr7:105,101,932, T>G. VCF-style: chr7-105101932-T-G. GRCh37 (hg19) VCF-style: chr7-104742379-T-G.
Other names: c.1934T>G, p.Val645Gly (NM_001410908.1, NM_018682.4); c.1934T>G (NM_182931.2); short protein forms V645G.
Identifiers: ClinVar variation 2049916 (VCV002049916.6), dbSNP rs368566319, ClinGen allele CA4424127.